The following is an entry in ClinVar:

NM_212482.4(FN1):c.6923T>C (p.Val2308Ala)

Genes: ATIC (5-aminoimidazole-4-carboxamide ribonucleotide formyltransferase/IMP cyclohydrolase; plus strand), FN1 (fibronectin 1; minus strand). Cytogenetic location: 2q35.
Variant type: single nucleotide variant.
Coding change: c.6923T>C on transcript NM_212482.4 (MANE Select); coding-DNA position 6923, T replaced by C.
Protein change: p.Val2308Ala; replaces valine 2308 with alanine.
Molecular consequence: missense variant.
Genome position (GRCh38, 1-based): chr2:215,367,958, A>G on the plus strand (T>C on the coding strand, the complement: FN1 is on the minus strand). VCF-style: chr2-215367958-A-G. GRCh37 (hg19) VCF-style: chr2-216232681-A-G.
Other names: c.6830T>C, p.Val2277Ala (NM_001306129.2); c.6293T>C, p.Val2098Ala (NM_001306130.2); c.6287T>C, p.Val2096Ala (NM_001306131.2); c.6212T>C, p.Val2071Ala (NM_001306132.2); c.6653T>C, p.Val2218Ala (NM_001365517.2); c.6650T>C, p.Val2217Ala (NM_001365518.2); c.6578T>C, p.Val2193Ala (NM_001365519.2); c.6575T>C, p.Val2192Ala (NM_001365520.2); and 8 more; short protein forms V2007A, V2071A, V2096A, V2097A, V2098A, V2102A, V2127A, V2161A.
Identifiers: ClinVar variation 1165708 (VCV001165708.36), dbSNP rs545761792, ClinGen allele CA2093701.

ClinVar aggregate classification (germline): Benign/Likely benign. Review status: criteria provided, multiple submitters, no conflicts (2 of 4 stars). 4 submissions from 4 submitters: Benign (2); Likely benign (2). Last evaluated 2026-04-01.

Conditions:
Glomerulopathy with fibronectin deposits 2 (GFND2). Identifiers: Orphanet 84090, MedGen C1866075, MONDO:0011165, OMIM 601894.
Spondylometaphyseal dysplasia - Sutcliffe type. Also called: Sutcliffe type of spondylometaphyseal dysplasia; Sutcliffe SMD; Spondylometaphyseal dysplasia, 'corner fracture' type; Spondylometaphyseal Dysplasia, Corner Fracture Type. Identifiers: Orphanet 93315, MedGen C0432221, MONDO:0008479, OMIM 184255.

Allele frequency attached by ClinVar (database versions not stated): TOPMed 0.00005; gnomAD 0.00034; gnomAD exomes 0.00052 and 0.00120; ExAC 0.00137; 1000 Genomes Project 30x 0.00328; 1000 Genomes Project 0.00339.
gnomAD v4.1: 811 of 1,614,108 alleles (0.05%); highest among the groups gnomAD compares: South Asian, 0.83%; 9 homozygotes.

Submissions (4):

CeGaT Center for Human Genetics Tuebingen
Classification: Likely benign. Last evaluated: 2026-04-01. Review status: criteria provided, single submitter. Criteria: CeGaT Center For Human Genetics Tuebingen Variant Classification Criteria Version 2. Collection method: clinical testing. Allele origin: germline. Affected: yes. Observed: 2 variant alleles.
Comment: FN1: BP4, BS2

Labcorp Genetics (formerly Invitae), Labcorp
Classification: Benign. Last evaluated: 2025-05-19. Review status: criteria provided, single submitter. Criteria: Invitae Variant Classification Sherloc (09022015). Collection method: clinical testing. Allele origin: germline.

Fulgent Genetics
Classification: Likely benign for Spondylometaphyseal dysplasia - Sutcliffe type; Glomerulopathy with fibronectin deposits 2. Last evaluated: 2021-08-13. Review status: criteria provided, single submitter. Criteria: ACMG Guidelines, 2015. Collection method: clinical testing. Allele origin: unknown.

Dubai Health Genomic Medicine Center, Dubai Health
Classification: Benign for Glomerulopathy with fibronectin deposits 2. Last evaluated: 2020-03-26. Review status: criteria provided, single submitter. Criteria: ACMG Guidelines, 2015. Collection method: clinical testing. Allele origin: germline. Affected: yes.